The following is an entry in ClinVar:

ClinVar aggregate classification (germline): Likely benign (0 of 4 stars; one submission).

Conditions:
KCNQ1-related disorder. Also called: KCNQ1-related condition; KCNQ1-related disorders. Identifiers: MedGen CN239322.

Submission:

PreventionGenetics, part of Exact Sciences
Classification: Likely benign for KCNQ1-related condition. Last evaluated: 2020-04-17. Review status: no assertion criteria provided. Collection method: clinical testing. Allele origin: germline.
Comment: This variant is classified as likely benign based on ACMG/AMP sequence variant interpretation guidelines (Richards et al. 2015 PMID: 25741868, with internal and published modifications).

NM_000218.3(KCNQ1):c.1514+33248TG[7]

Genes: KCNQ1 (potassium voltage-gated channel subfamily Q member 1; plus strand), KCNQ1OT1 (KCNQ1 opposite strand/antisense transcript 1; minus strand). Cytogenetic location: 11p15.5.
Variant type: Microsatellite.
Coding change: c.1514+33248TG[7] on transcript NM_000218.3 (MANE Select); seven copies in a row of the 2-base unit TG starting at c.1514+33248; the reference has eight copies in a row; one copy, 2 bases deleted.
Molecular consequence: intron variant. On other transcripts: non-coding transcript variant (1).
Genome position (GRCh38, 1-based): chr11:2,695,343-2,695,344, TG deleted; deleting any 2 consecutive bases within chr11:2,695,329-2,695,344 gives the same sequence; the position shown is the placement nearest the transcript's 3' end. VCF-style (leftmost placement, unchanged base first): chr11-2695328-TTG-T. GRCh37 (hg19) VCF-style: chr11-2716558-TTG-T.
Other names: c.1244+33248TG[7] (NM_001406837.1); c.1418+33248TG[7] (NM_001406836.1); c.974+33248TG[7] (NM_001406838.1); c.1133+33248TG[7] (NM_181798.2).
Identifiers: ClinVar variation 3038356 (VCV003038356.2), dbSNP rs61588088, ClinGen allele CA472757369.